The following is an entry in ClinVar:

ClinVar aggregate classification (germline): Pathogenic (1 of 4 stars; one submission).

Conditions:
Partial hypoxanthine-guanine phosphoribosyltransferase deficiency. Also called: HPRT DEFICIENCY, PARTIAL; HYPOXANTHINE GUANINE PHOSPHORIBOSYLTRANSFERASE 1 DEFICIENCY, PARTIAL; GOUT, HPRT-RELATED; Kelley-Seegmiller Syndrome; HPRT1 DEFICIENCY, PARTIAL. Identifiers: Orphanet 79233, MedGen C0268117, MONDO:0010299, OMIM 300323.
Lesch-Nyhan syndrome (LNS). Also called: HPRT DEFICIENCY, COMPLETE; Lesch-Nyhan Disease (LND). Identifiers: Orphanet 510, MedGen C0023374, MONDO:0010298, OMIM 300322.

Submission:

Labcorp Genetics (formerly Invitae), Labcorp
Classification: Pathogenic for Lesch-Nyhan syndrome; Partial hypoxanthine-guanine phosphoribosyltransferase deficiency. Last evaluated: 2024-03-04. Review status: criteria provided, single submitter. Criteria: Invitae Variant Classification Sherloc (09022015). Collection method: clinical testing. Allele origin: germline.
Comment: This sequence change creates a premature translational stop signal (p.Asp113Hisfs*8) in the HPRT1 gene. It is expected to result in an absent or disrupted protein product. Loss-of-function variants in HPRT1 are known to be pathogenic (PMID: 15571220, 17027311, 22157001). This variant is not present in population databases (gnomAD no frequency). This premature translational stop signal has been observed in individual(s) with Lesch Nyhan syndrome (PMID: 10737990). ClinVar contains an entry for this variant (Variation ID: 2138723). For these reasons, this variant has been classified as Pathogenic.

Literature cited by the submitters: PubMed 15571220; PubMed 17027311; PubMed 22157001; PubMed 10737990.

NM_000194.3(HPRT1):c.333_334del (p.Asp113fs)

Gene: HPRT1 (hypoxanthine phosphoribosyltransferase 1; plus strand). Cytogenetic location: Xq26.2.
Variant type: Deletion.
Coding change: c.333_334del on transcript NM_000194.3 (MANE Select); coding-DNA positions 333 to 334, 2 bases deleted (AG; older notation c.333_334delAG).
Protein change: p.Asp113fs; shifts the reading frame from aspartic acid 113.
Molecular consequence: frameshift variant.
Genome position (GRCh38, 1-based): chrX:134,486,479-134,486,480, AG deleted. VCF-style (leftmost placement, unchanged base first): chrX-134486478-CAG-C. GRCh37 (hg19) VCF-style: chrX-133620508-CAG-C.
Other names: short protein forms D113fs.
Identifiers: ClinVar variation 2138723 (VCV002138723.4), dbSNP rs2520813482, ClinGen allele CA2580101554.